The following is an entry in ClinVar:

ClinVar aggregate classification (germline): Uncertain significance (1 of 4 stars; one submission).

Submission:

GeneDx
Classification: Uncertain significance. Last evaluated: 2022-11-11. Review status: criteria provided, single submitter. Criteria: GeneDx Variant Classification Process June 2021. Collection method: clinical testing. Allele origin: germline. Affected: yes.
Comment: Not observed at significant frequency in large population cohorts (gnomAD); In silico analysis supports that this missense variant has a deleterious effect on protein structure/function; Has not been previously published as pathogenic or benign to our knowledge

NM_015015.3(KDM4B):c.760T>A (p.Tyr254Asn)

Gene: KDM4B (lysine demethylase 4B; plus strand). Cytogenetic location: 19p13.3.
Variant type: single nucleotide variant.
Coding change: c.760T>A on transcript NM_015015.3 (MANE Select); coding-DNA position 760, T replaced by A.
Protein change: p.Tyr254Asn; replaces tyrosine 254 with asparagine.
Molecular consequence: missense variant.
Genome position (GRCh38, 1-based): chr19:5,077,450, T>A. VCF-style: chr19-5077450-T-A. GRCh37 (hg19) VCF-style: chr19-5077461-T-A.
Other names: c.760T>A, p.Tyr254Asn (NM_001370093.1, NM_001370094.1, NM_001411148.1); short protein forms Y254N.
Identifiers: ClinVar variation 2504408 (VCV002504408.1), dbSNP rs2512400956, ClinGen allele CA403494077.